The following is an entry in ClinVar:

NM_003846.3(PEX11B):c.720C>T (p.Leu240=)

Gene: PEX11B (peroxisomal biogenesis factor 11 beta; minus strand). Cytogenetic location: 1q21.1.
Variant type: single nucleotide variant.
Coding change: c.720C>T on transcript NM_003846.3 (MANE Select); coding-DNA position 720, C replaced by T.
Protein change: p.Leu240=; no amino-acid change (leucine 240 retained).
Molecular consequence: synonymous variant. On other transcripts: non-coding transcript variant (3).
Genome position (GRCh38, 1-based): chr1:145,912,221, G>A on the plus strand (C>T on the coding strand, the complement: PEX11B is on the minus strand). VCF-style: chr1-145912221-G-A. GRCh37 (hg19) VCF-style: chr1-145522859-C-T.
Other names: c.720C>T (NM_003846.2); c.678C>T, p.Leu226= (NM_001184795.1).
Identifiers: ClinVar variation 1540953 (VCV001540953.9), dbSNP rs184212399, ClinGen allele CA420245254.

ClinVar aggregate classification (germline): Likely benign. Review status: criteria provided, single submitter (1 of 4 stars). 2 submissions from 2 submitters: Likely benign (1). 1 of the submissions does not count toward it. Last evaluated 2023-08-16.

Conditions:
PEX11B-related disorder. Also called: PEX11B-related condition.

gnomAD v4.1: 18 of 1,613,828 alleles (0.0011%); highest among the groups gnomAD compares: East Asian, 0.0045%; no homozygotes.

Submissions (2):

Labcorp Genetics (formerly Invitae), Labcorp
Classification: Likely benign. Last evaluated: 2023-08-16. Review status: criteria provided, single submitter. Criteria: Invitae Variant Classification Sherloc (09022015). Collection method: clinical testing. Allele origin: germline.

PreventionGenetics, part of Exact Sciences
Classification: Likely benign for PEX11B-related condition. Last evaluated: 2024-04-22. Review status: no assertion criteria provided. Collection method: clinical testing. Allele origin: germline. Not counted in ClinVar's aggregate classification.
Comment: This variant is classified as likely benign based on ACMG/AMP sequence variant interpretation guidelines (Richards et al. 2015 PMID: 25741868, with internal and published modifications).